The following is an entry in ClinVar:

NM_020338.4(ZMIZ1):c.93C>T (p.Ala31=)

Gene: ZMIZ1 (zinc finger MIZ-type containing 1; plus strand). Cytogenetic location: 10q22.3.
Variant type: single nucleotide variant.
Coding change: c.93C>T on transcript NM_020338.4 (MANE Select); coding-DNA position 93, C replaced by T.
Protein change: p.Ala31=; no amino-acid change (alanine 31 retained).
Molecular consequence: synonymous variant.
Genome position (GRCh38, 1-based): chr10:79,208,368, C>T. VCF-style: chr10-79208368-C-T. GRCh37 (hg19) VCF-style: chr10-80968125-C-T.
Identifiers: ClinVar variation 2715967 (VCV002715967.26), dbSNP rs559621894, ClinGen allele CA5572190.

ClinVar aggregate classification (germline): Likely benign. Review status: criteria provided, multiple submitters, no conflicts (2 of 4 stars). 3 submissions from 3 submitters: Likely benign (3). Last evaluated 2024-11-11.

Allele frequency attached by ClinVar (database versions not stated): 1000 Genomes Project 0.00020; 1000 Genomes Project 30x 0.00031; ExAC 0.00002; gnomAD exomes 0.00002; TOPMed 0.00002; gnomAD 0.00004.
gnomAD v4.1: 40 of 1,614,134 alleles (0.0025%); highest among the groups gnomAD compares: Middle Eastern, 0.033%; no homozygotes.

Submissions (3):

Blueprint Genetics
Classification: Likely benign. Last evaluated: 2024-11-11. Review status: criteria provided, single submitter. Criteria: ACMG Guidelines, 2015. Collection method: clinical testing. Allele origin: germline.

Labcorp Genetics (formerly Invitae), Labcorp
Classification: Likely benign. Last evaluated: 2024-11-05. Review status: criteria provided, single submitter. Criteria: Invitae Variant Classification Sherloc (09022015). Collection method: clinical testing. Allele origin: germline.

CeGaT Center for Human Genetics Tuebingen
Classification: Likely benign. Last evaluated: 2024-01-01. Review status: criteria provided, single submitter. Criteria: CeGaT Center For Human Genetics Tuebingen Variant Classification Criteria Version 2. Collection method: clinical testing. Allele origin: germline. Affected: yes. Observed: 1 variant allele.
Comment: ZMIZ1: BP4, BP7